The following is an entry in ClinVar:

NM_000543.5(SMPD1):c.1201C>G (p.Pro401Ala)

Gene: SMPD1 (sphingomyelin phosphodiesterase 1; plus strand). Cytogenetic location: 11p15.4.
Variant type: single nucleotide variant.
Coding change: c.1201C>G on transcript NM_000543.5 (MANE Select); coding-DNA position 1201, C replaced by G.
Protein change: p.Pro401Ala; replaces proline 401 with alanine.
Molecular consequence: missense variant. On other transcripts: non-coding transcript variant (1), intron variant (1).
Genome position (GRCh38, 1-based): chr11:6,393,325, C>G. VCF-style: chr11-6393325-C-G. GRCh37 (hg19) VCF-style: chr11-6414555-C-G.
Other names: c.1198C>G, p.Pro400Ala (NM_001007593.3); c.1201C>G, p.Pro401Ala (NM_001318087.2); c.280C>G, p.Pro94Ala (NM_001318088.2); c.1132-292C>G (NM_001365135.2); short protein forms P401A, P400A, P94A.
Identifiers: ClinVar variation 2187146 (VCV002187146.1), dbSNP rs781441787, ClinGen allele CA5852807.

ClinVar aggregate classification (germline): Uncertain significance (1 of 4 stars; one submission).

Conditions:
Niemann-Pick disease, type B. Also called: Chronic Visceral ASMD (Niemann-Pick Disease Type B; NPD-B). Identifiers: Orphanet 77293, MedGen C0268243, MONDO:0011871, OMIM 607616. Disease mechanism: loss of function.
Niemann-Pick disease, type A. Also called: SPHINGOMYELIN LIPIDOSIS; SPHINGOMYELINASE DEFICIENCY; Infantile Neurovisceral ASMD (Niemann-Pick Disease Type A; NPD-A). Identifiers: Orphanet 77292, MedGen C0268242, MONDO:0009756, OMIM 257200. Disease mechanism: loss of function.

Allele frequency attached by ClinVar (database versions not stated): ExAC 0.00001.
gnomAD v4.1: 2 of 1,613,988 alleles (0.00012%); highest among the groups gnomAD compares: South Asian, 0.0022%; no homozygotes.

Submission:

Labcorp Genetics (formerly Invitae), Labcorp
Classification: Uncertain significance for Niemann-Pick disease, type B; Niemann-Pick disease, type A. Last evaluated: 2022-05-29. Review status: criteria provided, single submitter. Criteria: Invitae Variant Classification Sherloc (09022015). Collection method: clinical testing. Allele origin: germline.
Comment: This sequence change replaces proline, which is neutral and non-polar, with alanine, which is neutral and non-polar, at codon 401 of the SMPD1 protein (p.Pro401Ala). This variant is present in population databases (rs781441787, gnomAD 0.003%). This variant has not been reported in the literature in individuals affected with SMPD1-related conditions. Advanced modeling of protein sequence and biophysical properties (such as structural, functional, and spatial information, amino acid conservation, physicochemical variation, residue mobility, and thermodynamic stability) performed at Invitae indicates that this missense variant is expected to disrupt SMPD1 protein function. In summary, the available evidence is currently insufficient to determine the role of this variant in disease. Therefore, it has been classified as a Variant of Uncertain Significance.